The following is an entry in ClinVar:

ClinVar aggregate classification (germline): Likely benign (0 of 4 stars; one submission).

Conditions:
TENM1-related disorder. Also called: TENM1-related condition.

Allele frequency attached by ClinVar (database versions not stated): ExAC 0.00043; gnomAD 0.00090; TOPMed 0.00097; ESP Exome Variant Server 0.00114; 1000 Genomes Project 0.00185; 1000 Genomes Project 30x 0.00187.
gnomAD v4.1: 362 of 1,179,963 alleles (0.031%); highest among the groups gnomAD compares: African/African-American, 0.31%; 1 homozygote.

Submission:

PreventionGenetics, part of Exact Sciences
Classification: Likely benign for TENM1-related condition. Last evaluated: 2019-10-28. Review status: no assertion criteria provided. Collection method: clinical testing. Allele origin: germline.
Comment: This variant is classified as likely benign based on ACMG/AMP sequence variant interpretation guidelines (Richards et al. 2015 PMID: 25741868, with internal and published modifications).

NM_001163278.2(TENM1):c.5689-7G>A

Gene: TENM1 (teneurin transmembrane protein 1; minus strand). Cytogenetic location: Xq25.
Variant type: single nucleotide variant.
Coding change: c.5689-7G>A on transcript NM_001163278.2 (MANE Select); 7 bases into the intron before coding-DNA position 5689, G replaced by A.
Molecular consequence: intron variant.
Genome position (GRCh38, 1-based): chrX:124,386,071, C>T on the plus strand (G>A on the coding strand, the complement: TENM1 is on the minus strand). VCF-style: chrX-124386071-C-T. GRCh37 (hg19) VCF-style: chrX-123519921-C-T.
Other names: c.5686-7G>A (NM_001163279.1); c.5668-7G>A (NM_014253.3).
Identifiers: ClinVar variation 3045619 (VCV003045619.2), dbSNP rs191508404, ClinGen allele CA10509583.